The following is an entry in ClinVar:

NM_014915.3(ANKRD26):c.3059G>C (p.Arg1020Pro)

Gene: ANKRD26 (ankyrin repeat domain 26; minus strand). Cytogenetic location: 10p12.1.
Variant type: single nucleotide variant.
Coding change: c.3059G>C on transcript NM_014915.3 (MANE Select); coding-DNA position 3059, G replaced by C.
Protein change: p.Arg1020Pro; replaces arginine 1020 with proline.
Molecular consequence: missense variant.
Genome position (GRCh38, 1-based): chr10:27,035,391, C>G on the plus strand (G>C on the coding strand, the complement: ANKRD26 is on the minus strand). VCF-style: chr10-27035391-C-G. GRCh37 (hg19) VCF-style: chr10-27324320-C-G.
Other names: c.3056G>C, p.Arg1019Pro (NM_001256053.2); short protein forms R1019P, R1020P.
Identifiers: ClinVar variation 2908188 (VCV002908188.4), dbSNP rs753614088, ClinGen allele CA376364457.
Genomic context (GRCh38, chr10:27,035,391, plus strand): 5'-TCATCTCTTGCTCTCTGGAAAGCAAGTTCTAGTTCTCTTTTTGATGTCTCACTTTGATCA[C>G]GATCATGTATAGCAGCAGCCAATCTAGAATGGTATGATTCAACTTCTGCTTCCAGTCTTT-3'
Protein context (NP_055730.2, residues 1010-1030): HSRLAAAIHD[Arg1020Pro]DQSETSKREL

ClinVar aggregate classification (germline): Uncertain significance. Review status: criteria provided, multiple submitters, no conflicts (2 of 4 stars). 2 submissions from 2 submitters: Uncertain significance (2). Last evaluated 2024-12-08.

Conditions:
Inborn genetic diseases. Identifiers: MedGen C0950123, MeSH D030342.

gnomAD v4.1: 4 of 1,613,886 alleles (0.00025%); highest among the groups gnomAD compares: African/African-American, 0.0013%; no homozygotes.

Submissions (2):

Ambry Genetics
Classification: Uncertain significance for Inborn genetic diseases. Last evaluated: 2024-12-08. Review status: criteria provided, single submitter. Criteria: Ambry Variant Classification Scheme 2023. Collection method: clinical testing. Allele origin: germline.
Comment: The p.R1020P variant (also known as c.3059G>C), located in coding exon 24 of the ANKRD26 gene, results from a G to C substitution at nucleotide position 3059. The arginine at codon 1020 is replaced by proline, an amino acid with dissimilar properties. This amino acid position is conserved. In addition, this alteration is predicted to be tolerated by in silico analysis. Based on the available evidence, the clinical significance of this variant remains unclear.

Labcorp Genetics (formerly Invitae), Labcorp
Classification: Uncertain significance. Last evaluated: 2022-10-27. Review status: criteria provided, single submitter. Criteria: Invitae Variant Classification Sherloc (09022015). Collection method: clinical testing. Allele origin: germline.
Comment: Algorithms developed to predict the effect of missense changes on protein structure and function (SIFT, PolyPhen-2, Align-GVGD) all suggest that this variant is likely to be tolerated. In summary, the available evidence is currently insufficient to determine the role of this variant in disease. Therefore, it has been classified as a Variant of Uncertain Significance. This variant has not been reported in the literature in individuals affected with ANKRD26-related conditions. This sequence change replaces arginine, which is basic and polar, with proline, which is neutral and non-polar, at codon 1020 of the ANKRD26 protein (p.Arg1020Pro). This variant is not present in population databases (gnomAD no frequency).